The following is an entry in ClinVar:

ClinVar aggregate classification (germline): Likely benign. Review status: criteria provided, multiple submitters, no conflicts (2 of 4 stars). 2 submissions from 2 submitters: Likely benign (2). Last evaluated 2025-04-10.

Conditions:
Hereditary diffuse gastric adenocarcinoma (HDGC). Also called: DIFFUSE GASTRIC AND LOBULAR BREAST CANCER SYNDROME. Identifiers: Orphanet 26106, MedGen C1708349, MONDO:0007648, OMIM 137215.

Submissions (2):

Labcorp Genetics (formerly Invitae), Labcorp
Classification: Likely benign for Hereditary diffuse gastric adenocarcinoma. Last evaluated: 2025-04-10. Review status: criteria provided, single submitter. Criteria: Invitae Variant Classification Sherloc (09022015). Collection method: clinical testing. Allele origin: germline.

Myriad Genetics, Inc.
Classification: Likely benign for Hereditary diffuse gastric adenocarcinoma. Last evaluated: 2024-09-12. Review status: criteria provided, single submitter. Criteria: Myriad Autosomal Dominant, Autosomal Recessive and X-Linked Classification Criteria (2023). Collection method: clinical testing. Allele origin: unknown.
Comment: This variant is considered likely benign. This variant is intronic and is not expected to impact mRNA splicing.

NM_004360.5(CDH1):c.163+10C>T

Gene: CDH1 (cadherin 1; plus strand). Cytogenetic location: 16q22.1.
Variant type: single nucleotide variant.
Coding change: c.163+10C>T on transcript NM_004360.5 (MANE Select); 10 bases into the intron after coding-DNA position 163, C replaced by T.
Molecular consequence: intron variant.
Genome position (GRCh38, 1-based): chr16:68,738,421, C>T. VCF-style: chr16-68738421-C-T. GRCh37 (hg19) VCF-style: chr16-68772324-C-T.
Other names: c.-1453+10C>T (NM_001317185.2); c.-1657+10C>T (NM_001317186.2); c.163+10C>T (NM_001317184.2).
Identifiers: ClinVar variation 762041 (VCV000762041.12), dbSNP rs1597838801, ClinGen allele CA915949293.